The following is an entry in ClinVar:

ClinVar aggregate classification (germline): Pathogenic (1 of 4 stars; one submission).

Conditions:
Retinoblastoma (RB1). Also called: RETINOBLASTOMA, SOMATIC. Identifiers: Orphanet 790, MedGen C0035335, MeSH D012175, MONDO:0008380, OMIM 180200, HP:0009919. Disease mechanism: loss of function. Inheritance: Both sporadic and heritable forms are tested..

Submission:

Genetic Diagnostic Laboratory, University of Pennsylvania School of Medicine
Classification: Pathogenic for Retinoblastoma. Last evaluated: 2024-05-20. Review status: criteria provided, single submitter. Criteria: ACMG Guidelines, 2015. Collection method: clinical testing. Allele origin: germline. Affected: yes. Observed: 1 variant allele.
Comment: Case and Pedigree Information: BILATERAL CASES:1, UNILATERAL CASES:0, TOTAL CASES:1, PEDIGREES:1. ACMG Codes Applied:PVS1, PM2

NM_000321.3(RB1):c.1112del (p.Pro371fs)

Gene: RB1 (RB transcriptional corepressor 1; plus strand). Cytogenetic location: 13q14.2.
Variant type: Deletion.
Coding change: c.1112del on transcript NM_000321.3 (MANE Select); coding-DNA position 1112, one base deleted (C; older notation c.1112delC).
Protein change: p.Pro371fs; shifts the reading frame from proline 371.
Molecular consequence: frameshift variant.
Genome position (GRCh38, 1-based): chr13:48,368,589, C deleted; the last of 2 consecutive C bases (chr13:48,368,588-48,368,589); deleting either gives the same sequence. VCF-style (leftmost placement, unchanged base first): chr13-48368587-TC-T. GRCh37 (hg19) VCF-style: chr13-48942723-TC-T.
Other names: c.1112del, p.Pro371fs (NM_001407165.1, NM_001407166.1); short protein forms P371fs.
Identifiers: ClinVar variation 3236954 (VCV003236954.1), dbSNP rs2542189961.
Genomic context (GRCh38, chr13:48,368,587, plus strand): 5'-TTTTGAAACACAGAGAACACCACGAAAAAGTAACCTTGATGAAGAGGTGAATGTAATTCC[TC>T]CACACACTCCAGTTAGGTATGAATTTTCCTACTTTTAATTATATTATAATTTTGTTATTC-3'